The following is an entry in ClinVar:

ClinVar aggregate classification (germline): Uncertain significance. Review status: criteria provided, multiple submitters, no conflicts (2 of 4 stars). 2 submissions from 2 submitters: Uncertain significance (2). Last evaluated 2024-11-14.

Conditions:
Hereditary cancer-predisposing syndrome. Also called: Tumor predisposition; Hereditary Cancer Syndrome; Hereditary neoplastic syndrome; Neoplastic Syndromes, Hereditary. Identifiers: Orphanet 140162, MedGen C0027672, MeSH D009386, MONDO:0015356.
Cardiovascular phenotype. Identifiers: MedGen CN230736.

Submissions (2):

Ambry Genetics
Classification: Uncertain significance for Cardiovascular phenotype; Hereditary cancer-predisposing syndrome. Last evaluated: 2024-11-14. Review status: criteria provided, single submitter. Criteria: Ambry Variant Classification Scheme 2023. Collection method: clinical testing. Allele origin: germline.
Comment: The p.R1142S variant (also known as c.3426G>C), located in coding exon 26 of the NF1 gene, results from a G to C substitution at nucleotide position 3426. The arginine at codon 1142 is replaced by serine, an amino acid with dissimilar properties. This amino acid position is conserved. In addition, the in silico prediction for this alteration is inconclusive. Based on the available evidence, the clinical significance of this variant remains unclear.

GeneDx
Classification: Uncertain significance. Last evaluated: 2023-07-31. Review status: criteria provided, single submitter. Criteria: GeneDx Variant Classification Process June 2021. Collection method: clinical testing. Allele origin: germline. Affected: yes.
Comment: Not observed at significant frequency in large population cohorts (gnomAD); In silico analysis supports that this missense variant has a deleterious effect on protein structure/function; Has not been previously published as pathogenic or benign to our knowledge; This variant is associated with the following publications: (PMID: 25486365, 2121369, 22807134)

NM_001042492.3(NF1):c.3426G>C (p.Arg1142Ser)

Gene: NF1 (neurofibromin 1; plus strand). Cytogenetic location: 17q11.2.
Variant type: single nucleotide variant.
Coding change: c.3426G>C on transcript NM_001042492.3 (MANE Select); coding-DNA position 3426, G replaced by C.
Protein change: p.Arg1142Ser; replaces arginine 1142 with serine.
Molecular consequence: missense variant.
Genome position (GRCh38, 1-based): chr17:31,232,811, G>C. VCF-style: chr17-31232811-G-C. GRCh37 (hg19) VCF-style: chr17-29559829-G-C.
Other names: c.3426G>C, p.Arg1142Ser (NM_000267.4); short protein forms R1142S.
Identifiers: ClinVar variation 3361875 (VCV003361875.2).
Genomic context (GRCh38, chr17:31,232,811, plus strand): 5'-TGAAAGTGCGCAAACAGGTGGCAGGAAACGTGGCATGTCTCGGAGGCTGGCATCACTGAG[G>C]CACTGTACGGTCCTTGCAATGTCAAACTTACTCAATGCCAACGTAGACAGTGGTCTCATG-3'
Protein context (NP_001035957.1, residues 1132-1152): RGMSRRLASL[Arg1142Ser]HCTVLAMSNL